The following is an entry in ClinVar:

ClinVar aggregate classification (germline): Uncertain significance. Review status: criteria provided, multiple submitters, no conflicts (2 of 4 stars). 2 submissions from 2 submitters: Uncertain significance (2). Last evaluated 2025-07-30.

Conditions:
Hereditary cancer-predisposing syndrome. Also called: Tumor predisposition; Hereditary neoplastic syndrome; Hereditary Cancer Syndrome; Neoplastic Syndromes, Hereditary. Identifiers: Orphanet 140162, MedGen C0027672, MeSH D009386, MONDO:0015356.

Submissions (2):

Labcorp Genetics (formerly Invitae), Labcorp
Classification: Uncertain significance. Last evaluated: 2025-07-30. Review status: criteria provided, single submitter. Criteria: Invitae Variant Classification Sherloc (09022015). Collection method: clinical testing. Allele origin: germline.
Comment: This sequence change replaces isoleucine, which is neutral and non-polar, with threonine, which is neutral and polar, at codon 220 of the CTNNA1 protein (p.Ile220Thr). This variant is not present in population databases (gnomAD no frequency). This variant has not been reported in the literature in individuals affected with CTNNA1-related conditions. ClinVar contains an entry for this variant (Variation ID: 962110). Invitae Evidence Modeling of protein sequence and biophysical properties (such as structural, functional, and spatial information, amino acid conservation, physicochemical variation, residue mobility, and thermodynamic stability) indicates that this missense variant is not expected to disrupt CTNNA1 protein function with a negative predictive value of 80%. In summary, the available evidence is currently insufficient to determine the role of this variant in disease. Therefore, it has been classified as a Variant of Uncertain Significance.

Ambry Genetics
Classification: Uncertain significance for Hereditary cancer-predisposing syndrome. Last evaluated: 2024-04-06. Review status: criteria provided, single submitter. Criteria: Ambry Variant Classification Scheme 2023. Collection method: clinical testing. Allele origin: germline.
Comment: The p.I220T variant (also known as c.659T>C), located in coding exon 5 of the CTNNA1 gene, results from a T to C substitution at nucleotide position 659. The isoleucine at codon 220 is replaced by threonine, an amino acid with similar properties. This amino acid position is conserved. In addition, this alteration is predicted to be tolerated by in silico analysis. Since supporting evidence is limited at this time, the clinical significance of this alteration remains unclear.

NM_001903.5(CTNNA1):c.659T>C (p.Ile220Thr)

Gene: CTNNA1 (catenin alpha 1; plus strand). Cytogenetic location: 5q31.2.
Variant type: single nucleotide variant.
Coding change: c.659T>C on transcript NM_001903.5 (MANE Select); coding-DNA position 659, T replaced by C.
Protein change: p.Ile220Thr; replaces isoleucine 220 with threonine.
Molecular consequence: missense variant.
Genome position (GRCh38, 1-based): chr5:138,824,600, T>C. VCF-style: chr5-138824600-T-C. GRCh37 (hg19) VCF-style: chr5-138160289-T-C.
Other names: c.659T>C, p.Ile220Thr (NM_001290307.3, NM_001323982.2, NM_001323983.1 and 3 more transcripts); c.350T>C, p.Ile117Thr (NM_001290309.3); c.290T>C, p.Ile97Thr (NM_001290310.3); short protein forms I117T, I220T, I97T.
Identifiers: ClinVar variation 962110 (VCV000962110.13), dbSNP rs1760448767, ClinGen allele CA361129618.